The following is an entry in ClinVar:

ClinVar aggregate classification (germline): Benign (1 of 4 stars; one submission).

Conditions:
Hereditary spastic paraplegia 30. Identifiers: Orphanet 101010, MedGen C5235139, MONDO:0012476.

Allele frequency attached by ClinVar (database versions not stated): gnomAD exomes 0.00775; TOPMed 0.05478; 1000 Genomes Project 0.09205; 1000 Genomes Project 30x 0.09213.
gnomAD v4.1: 6,235 of 152,540 alleles (4.1%); highest among the groups gnomAD compares: Admixed American, 22%; 671 homozygotes.

Submission:

Illumina Laboratory Services, Illumina
Classification: Benign for Spastic paraplegia 30A, autosomal dominant. Last evaluated: 2018-01-12. Review status: criteria provided, single submitter. Criteria: ICSL Variant Classification Criteria 13 December 2019. Collection method: clinical testing. Allele origin: germline.
Comment: This variant was observed in the ICSL laboratory as part of a predisposition screen in an ostensibly healthy population. It had not been previously curated by ICSL or reported in the Human Gene Mutation Database (HGMD: prior to June 1st, 2018), and was therefore a candidate for classification through an automated scoring system. Utilizing variant allele frequency, disease prevalence and penetrance estimates, and inheritance mode, an automated score was calculated to assess if this variant is too frequent to cause the disease. Based on the score and internal cut-off values, a variant classified as benign is not then subjected to further curation. The score for this variant resulted in a classification of benign for this disease.

NM_001244008.2(KIF1A):c.*1743G>A

Gene: KIF1A (kinesin family member 1A; minus strand). Cytogenetic location: 2q37.3.
Variant type: single nucleotide variant.
Coding change: c.*1743G>A on transcript NM_001244008.2 (MANE Select); 1743 bases downstream of the stop codon, G replaced by A.
Molecular consequence: 3 prime UTR variant.
Genome position (GRCh38, 1-based): chr2:240,715,621, C>T on the plus strand (G>A on the coding strand, the complement: KIF1A is on the minus strand). VCF-style: chr2-240715621-C-T. GRCh37 (hg19) VCF-style: chr2-241655038-C-T.
Other names: c.*1743G>A (NM_001320705.2, NM_001330289.2, NM_001330290.2 and 20 more transcripts).
Identifiers: ClinVar variation 335235 (VCV000335235.5), dbSNP rs3732338, ClinGen allele CA10612894.